The following is an entry in ClinVar:

NM_001366385.1(CARD14):c.2569+2T>A

Genes: CARD14 (caspase recruitment domain family member 14; plus strand), SGSH (N-sulfoglucosamine sulfohydrolase; minus strand), LOC126862662 (MED14-independent group 3 enhancer GRCh37_chr17:78178385-78179584; plus strand). Cytogenetic location: 17q25.3.
Variant type: single nucleotide variant.
Coding change: c.2569+2T>A on transcript NM_001366385.1 (MANE Select); the canonical splice donor site of the intron after coding-DNA position 2569, T replaced by A.
Molecular consequence: splice donor variant.
Genome position (GRCh38, 1-based): chr17:80,205,207, T>A. VCF-style: chr17-80205207-T-A. GRCh37 (hg19) VCF-style: chr17-78179006-T-A.
Other names: c.2569+2T>A (NM_024110.4).
Identifiers: ClinVar variation 1504719 (VCV001504719.8), dbSNP rs746981190, ClinGen allele CA8817363.

ClinVar aggregate classification (germline): Uncertain significance. Review status: criteria provided, multiple submitters, no conflicts (2 of 4 stars). 2 submissions from 2 submitters: Uncertain significance (2). Last evaluated 2025-09-01.

Conditions:
Psoriasis 2. Identifiers: MedGen C1864497, MONDO:0011269, OMIM 602723.
Pityriasis rubra pilaris (PRP). Also called: Pityriasis rubra pilaris--familial type. Identifiers: Orphanet 2897, MedGen C0032027, MONDO:0100017, OMIM 173200, MONDO:0008251.

Allele frequency attached by ClinVar (database versions not stated): gnomAD exomes 0.00001 and 0.00002; ExAC 0.00002; gnomAD 0.00004; TOPMed 0.00006.
gnomAD v4.1: 11 of 1,609,194 alleles (0.00068%); highest among the groups gnomAD compares: African/African-American, 0.015%; no homozygotes.

Submissions (3):

Labcorp Genetics (formerly Invitae), Labcorp
Classification: Uncertain significance for Pityriasis rubra pilaris; Psoriasis 2. Last evaluated: 2025-09-01. Review status: criteria provided, single submitter. Criteria: Invitae Variant Classification Sherloc (09022015). Collection method: clinical testing. Allele origin: germline.
Comment: This sequence change affects a donor splice site in intron 18 of the CARD14 gene. It is expected to disrupt RNA splicing. Variants that disrupt the donor or acceptor splice site typically lead to a loss of protein function (PMID: 16199547), however the current clinical and genetic evidence is not sufficient to establish whether loss-of-function variants in CARD14 cause disease. This variant is present in population databases (rs746981190, gnomAD 0.02%). This variant has not been reported in the literature in individuals affected with CARD14-related conditions. ClinVar contains an entry for this variant (Variation ID: 1504719). Algorithms developed to predict the effect of sequence changes on RNA splicing suggest that this variant may disrupt the consensus splice site. In summary, the available evidence is currently insufficient to determine the role of this variant in disease. Therefore, it has been classified as a Variant of Uncertain Significance.

Mayo Clinic Laboratories, Mayo Clinic
Classification: Uncertain significance. Last evaluated: 2024-05-22. Review status: criteria provided, single submitter. Criteria: ACMG Guidelines, 2015. Collection method: clinical testing. Allele origin: germline. Observed: 1 variant allele.
Comment: PVS1_moderate

Dr. Peter K. Rogan Lab, Western University
No classification provided (evidence only). Condition: Ovarian serous cystadenocarcinoma. Review status: no classification provided. Collection method: in vitro. Allele origin: not applicable. Functional consequence: retained intron. Not counted in ClinVar's aggregate classification.

Literature cited by the submitters: PubMed 16199547 (cited by Labcorp Genetics (formerly Invitae), Labcorp).